The following is an entry in ClinVar:

ClinVar aggregate classification (germline): Uncertain significance (1 of 4 stars; one submission).

Conditions:
Fanconi anemia (FA). Also called: Fanconi's anemia. Identifiers: Orphanet 84, MedGen C0015625, MeSH D005199, MONDO:0019391.

Allele frequency attached by ClinVar (database versions not stated): gnomAD exomes below 0.00001 and 0.00002.
gnomAD v4.1: 11 of 1,614,076 alleles (0.00068%); highest among the groups gnomAD compares: South Asian, 0.012%; 1 homozygote.

Submission:

Labcorp Genetics (formerly Invitae), Labcorp
Classification: Uncertain significance for Fanconi anemia. Last evaluated: 2024-12-22. Review status: criteria provided, single submitter. Criteria: Invitae Variant Classification Sherloc (09022015). Collection method: clinical testing. Allele origin: germline.
Comment: This sequence change replaces leucine, which is neutral and non-polar, with valine, which is neutral and non-polar, at codon 307 of the FANCD2 protein (p.Leu307Val). This variant is present in population databases (no rsID available, gnomAD 0.003%). This variant has not been reported in the literature in individuals affected with FANCD2-related conditions. ClinVar contains an entry for this variant (Variation ID: 1038954). Invitae Evidence Modeling of protein sequence and biophysical properties (such as structural, functional, and spatial information, amino acid conservation, physicochemical variation, residue mobility, and thermodynamic stability) indicates that this missense variant is not expected to disrupt FANCD2 protein function with a negative predictive value of 80%. In summary, the available evidence is currently insufficient to determine the role of this variant in disease. Therefore, it has been classified as a Variant of Uncertain Significance.

NM_001018115.3(FANCD2):c.919C>G (p.Leu307Val)

Genes: FANCD2 (FA complementation group D2; plus strand), LOC107303338 (3p25 FANCD2 Alu-mediated recombination region; plus strand). Cytogenetic location: 3p25.3.
Variant type: single nucleotide variant.
Coding change: c.919C>G on transcript NM_001018115.3 (MANE Select); coding-DNA position 919, C replaced by G.
Protein change: p.Leu307Val; replaces leucine 307 with valine.
Molecular consequence: missense variant.
Genome position (GRCh38, 1-based): chr3:10,043,080, C>G. VCF-style: chr3-10043080-C-G. GRCh37 (hg19) VCF-style: chr3-10084764-C-G.
Other names: c.919C>G, p.Leu307Val (NM_001319984.2, NM_001374253.1, NM_001374254.1 and 1 more transcripts); short protein forms L307V.
Identifiers: ClinVar variation 1038954 (VCV001038954.8), dbSNP rs1486958347, ClinGen allele CA351729746.
Genomic context (GRCh38, chr3:10,043,080, plus strand): 5'-AAAACCATAGCTAATATTTACTTTCTGCAGGTAATTTCTGAGCTTCGGGAGAAGTTGGAT[C>G]TGCAGCATTGTGTTTTGCCATCACGGTTACAGGCTTCCCAAGTAAAGTTGAAAAGTAAAG-3'
Protein context (NP_001018125.1, residues 297-317): VISELREKLD[Leu307Val]QHCVLPSRLQ